The following is an entry in ClinVar:

NM_000059.4(BRCA2):c.9257-17T>C

Gene: BRCA2 (BRCA2 DNA repair associated; plus strand). Cytogenetic location: 13q13.1.
Variant type: single nucleotide variant.
Coding change: c.9257-17T>C on transcript NM_000059.4 (MANE Select); 17 bases into the intron before coding-DNA position 9257, T replaced by C.
Molecular consequence: intron variant.
Genome position (GRCh38, 1-based): chr13:32,394,672, T>C. VCF-style: chr13-32394672-T-C. GRCh37 (hg19) VCF-style: chr13-32968809-T-C.
Identifiers: ClinVar variation 513177 (VCV000513177.11), dbSNP rs1400852315, ClinGen allele CA658798087.
Genomic context (GRCh38, chr13:32,394,672, plus strand): 5'-TAGAGTTTCCTTTCTTGCATCTTAAAATTCATCTAACACATCTATAATAACATTCTTTTC[T>C]TTTTTTTCCATTCTAGGACTTGCCCCTTTCGTCTATTTGTCAGACGAATGTTACAATTTA-3'

ClinVar aggregate classification (germline): Likely benign. Review status: criteria provided, multiple submitters, no conflicts (2 of 4 stars). 2 submissions from 2 submitters: Likely benign (2). Last evaluated 2025-12-02.
ClinVar aggregate classification (somatic clinical impact): Tier III - Unknown (0 of 4 stars; one submission).

Conditions:
Hereditary breast ovarian cancer syndrome. Also called: Hereditary breast and ovarian cancer; Hereditary breast and ovarian cancer syndrome (HBOC); Breast and ovarian cancer; BRCA1- and BRCA2-Associated Hereditary Breast and Ovarian Cancer; Hereditary breast and ovarian cancer syndrome; Hereditary breast and/or ovarian cancer syndrome. Identifiers: Orphanet 145, MedGen C0677776, MeSH D061325, MONDO:0003582. Disease mechanism: loss of function.
Cervical cancer. Also called: Cervix cancer; Cancer of cervix; Cervical cancer, somatic. Identifiers: MedGen C4048328, MONDO:0002974, OMIM 603956, HP:0030079.

gnomAD v4.1: 1 of 1,605,914 alleles (0.000062%); highest among the groups gnomAD compares: Non-Finnish European, 0.000085%; no homozygotes.

Submissions (3):

Labcorp Genetics (formerly Invitae), Labcorp
Classification: Likely benign for Hereditary breast ovarian cancer syndrome. Last evaluated: 2025-12-02. Review status: criteria provided, single submitter. Criteria: Invitae Variant Classification Sherloc (09022015). Collection method: clinical testing. Allele origin: germline.

GeneDx
Classification: Likely benign. Last evaluated: 2017-11-02. Review status: criteria provided, single submitter. Criteria: GeneDx Variant Classification (06012015). Collection method: clinical testing. Allele origin: germline. Affected: yes.
Comment: This variant is considered likely benign or benign based on one or more of the following criteria: it is a conservative change, it occurs at a poorly conserved position in the protein, it is predicted to be benign by multiple in silico algorithms, and/or has population frequency not consistent with disease.

Faculté Pluridciplinaire Nador, Université Mohamed Premier
Classification: Tier III - Unknown for Cervical cancer. Review status: no assertion criteria provided. Collection method: research. Allele origin: somatic. Affected: yes.
Comment: The following databases and algorithms are used to annotate and evaluate the impact of the variant in the context of human disease: 1000 genomes, gnomAD, ClinVar, OMIM, dbSNP, NCIB RefSeq Genes, ExAC Gene Constraints, VS-SIFT, VS-PolyPhen2, PhyloP, GERP++, GeneSplicer, MaxEntScan, NNSplice, PWM Splice Predictor.